The following is an entry in ClinVar:

ClinVar aggregate classification (germline): Likely benign. Review status: criteria provided, multiple submitters, no conflicts (2 of 4 stars). 2 submissions from 2 submitters: Likely benign (2). Last evaluated 2024-10-01.

Conditions:
Congenital hyperammonemia, type I. Also called: Carbamoyl phosphate synthetase 1 deficiency; Hyperammonemia due to carbamoyl phosphate synthetase 1 deficiency; CPS 1 deficiency; Carbamyl phosphate synthetase (CPS) deficiency; Carbamoyl phosphate synthetase I deficiency disease; CPS I DEFICIENCY. Identifiers: Orphanet 147, MedGen C4082171, MONDO:0009376, OMIM 237300.

Allele frequency attached by ClinVar (database versions not stated): gnomAD exomes 0.00001; TOPMed 0.00002; gnomAD 0.00003.
gnomAD v4.1: 21 of 1,613,932 alleles (0.0013%); highest among the groups gnomAD compares: African/African-American, 0.004%; no homozygotes.

Submissions (2):

CeGaT Center for Human Genetics Tuebingen
Classification: Likely benign. Last evaluated: 2024-10-01. Review status: criteria provided, single submitter. Criteria: CeGaT Center For Human Genetics Tuebingen Variant Classification Criteria Version 2. Collection method: clinical testing. Allele origin: germline. Affected: yes. Observed: 1 variant allele.
Comment: CPS1: BP4, BP7

Labcorp Genetics (formerly Invitae), Labcorp
Classification: Likely benign for Congenital hyperammonemia, type I. Last evaluated: 2024-03-06. Review status: criteria provided, single submitter. Criteria: Invitae Variant Classification Sherloc (09022015). Collection method: clinical testing. Allele origin: germline.

NM_001875.5(CPS1):c.3015A>G (p.Gln1005=)

Gene: CPS1 (carbamoyl-phosphate synthase 1; plus strand). Cytogenetic location: 2q34.
Variant type: single nucleotide variant.
Coding change: c.3015A>G on transcript NM_001875.5 (MANE Select); coding-DNA position 3015, A replaced by G.
Protein change: p.Gln1005=; no amino-acid change (glutamine 1005 retained).
Molecular consequence: synonymous variant. On other transcripts: non-coding transcript variant (2).
Genome position (GRCh38, 1-based): chr2:210,642,539, A>G. VCF-style: chr2-210642539-A-G. GRCh37 (hg19) VCF-style: chr2-211507263-A-G.
Other names: c.3015A>G, p.Gln1005= (NM_001122633.3, NM_001369257.1); c.3048A>G, p.Gln1016= (NM_001369256.1).
Identifiers: ClinVar variation 2139466 (VCV002139466.18), dbSNP rs1490262892, ClinGen allele CA431011411.